The following is an entry in ClinVar:

NM_001558.4(IL10RA):c.1158C>G (p.Thr386=)

Gene: IL10RA (interleukin 10 receptor subunit alpha; plus strand). Cytogenetic location: 11q23.3.
Variant type: single nucleotide variant.
Coding change: c.1158C>G on transcript NM_001558.4 (MANE Select); coding-DNA position 1158, C replaced by G.
Protein change: p.Thr386=; no amino-acid change (threonine 386 retained).
Molecular consequence: synonymous variant. On other transcripts: non-coding transcript variant (1).
Genome position (GRCh38, 1-based): chr11:117,999,062, C>G. VCF-style: chr11-117999062-C-G. GRCh37 (hg19) VCF-style: chr11-117869777-C-G.
Other names: p.Thr386=.
Identifiers: ClinVar variation 538060 (VCV000538060.46), dbSNP rs4252290, ClinGen allele CA6299129.
Genomic context (GRCh38, chr11:117,999,062, plus strand): 5'-TAGCACAGACAGCGGGATCTGCCTGCAGGAGCCCAGCCTGAGCCCCAGCACAGGGCCCAC[C>G]TGGGAGCAACAGGTGGGGAGCAACAGCAGGGGCCAGGATGACAGTGGCATTGACTTAGTT-3'
Protein context (NP_001549.2, residues 376-396): EPSLSPSTGP[Thr386=]WEQQVGSNSR

ClinVar aggregate classification (germline): Benign/Likely benign. Review status: criteria provided, multiple submitters, no conflicts (2 of 4 stars). 5 submissions from 5 submitters: Benign (2); Likely benign (3). Last evaluated 2026-01-21.

Conditions:
Inflammatory bowel disease 28. Also called: Inflammatory bowel disease 28, early onset, autosomal recessive. Identifiers: Orphanet 238569, MedGen C2751053, MONDO:0013153, OMIM 613148.

Allele frequency attached by ClinVar (database versions not stated): gnomAD exomes 0.00014 and 0.00038; ExAC 0.00049; 1000 Genomes Project 0.00140; 1000 Genomes Project 30x 0.00141; ESP Exome Variant Server 0.00154; gnomAD 0.00167 and 0.00180; TOPMed 0.00200.
gnomAD v4.1: 474 of 1,611,816 alleles (0.029%); highest among the groups gnomAD compares: African/African-American, 0.55%; 1 homozygote.

Submissions (5):

Labcorp Genetics (formerly Invitae), Labcorp
Classification: Benign for Inflammatory bowel disease 28. Last evaluated: 2026-01-21. Review status: criteria provided, single submitter. Criteria: Invitae Variant Classification Sherloc (09022015). Collection method: clinical testing. Allele origin: germline.

Mayo Clinic Laboratories, Mayo Clinic
Classification: Benign. Last evaluated: 2025-07-07. Review status: criteria provided, single submitter. Criteria: ACMG Guidelines, 2015. Collection method: clinical testing. Allele origin: germline. Observed: 1 variant allele.
Comment: BA1, BP4, BP7

Blueprint Genetics
Classification: Likely benign. Last evaluated: 2024-10-31. Review status: criteria provided, single submitter. Criteria: ACMG Guidelines, 2015. Collection method: clinical testing. Allele origin: germline.

CeGaT Center for Human Genetics Tuebingen
Classification: Likely benign. Last evaluated: 2022-03-01. Review status: criteria provided, single submitter. Criteria: CeGaT Center For Human Genetics Tuebingen Variant Classification Criteria Version 2. Collection method: clinical testing. Allele origin: germline. Affected: yes. Observed: 1 variant allele.
Comment: IL10RA: BP4, BP7

Breakthrough Genomics
Classification: Likely benign. Review status: criteria provided, single submitter. Criteria: ACMG Guidelines, 2015. Collection method: not provided. Allele origin: germline. Inheritance: Autosomal recessive inheritance. Affected: yes.